The following is an entry in ClinVar:

ClinVar aggregate classification (germline): Conflicting classifications of pathogenicity. Review status: criteria provided, conflicting classifications (1 of 4 stars). 2 submissions from 2 submitters: Uncertain significance (1); Likely benign (1). Last evaluated 2025-09-16.

Conditions:
Cardiovascular phenotype. Identifiers: MedGen CN230736.

gnomAD v4.1: 3 of 1,547,396 alleles (0.00019%); highest among the groups gnomAD compares: East Asian, 0.0024%; no homozygotes.

Submissions (2):

Labcorp Genetics (formerly Invitae), Labcorp
Classification: Uncertain significance. Last evaluated: 2025-09-16. Review status: criteria provided, single submitter. Criteria: Invitae Variant Classification Sherloc (09022015). Collection method: clinical testing. Allele origin: germline.
Comment: This sequence change replaces alanine, which is neutral and non-polar, with valine, which is neutral and non-polar, at codon 109 of the ZNF469 protein (p.Ala109Val). The frequency data for this variant in the population databases is considered unreliable, as metrics indicate poor data quality at this position in the gnomAD database. This variant has not been reported in the literature in individuals affected with ZNF469-related conditions. ClinVar contains an entry for this variant (Variation ID: 3258311). An algorithm developed to predict the effect of missense changes on protein structure and function outputs the following: PolyPhen-2: "Benign". The valine amino acid residue is found in multiple mammalian species, which suggests that this missense change does not adversely affect protein function. In summary, the available evidence is currently insufficient to determine the role of this variant in disease. Therefore, it has been classified as a Variant of Uncertain Significance.

Ambry Genetics
Classification: Likely benign for Cardiovascular phenotype. Last evaluated: 2024-06-11. Review status: criteria provided, single submitter. Criteria: Ambry Variant Classification Scheme 2023. Collection method: clinical testing. Allele origin: germline.

NM_001367624.2(ZNF469):c.326C>T (p.Ala109Val)

Gene: ZNF469 (zinc finger protein 469; plus strand). Cytogenetic location: 16q24.2.
Variant type: single nucleotide variant.
Coding change: c.326C>T on transcript NM_001367624.2 (MANE Select); coding-DNA position 326, C replaced by T.
Protein change: p.Ala109Val; replaces alanine 109 with valine.
Molecular consequence: missense variant.
Genome position (GRCh38, 1-based): chr16:88,427,796, C>T. VCF-style: chr16-88427796-C-T. GRCh37 (hg19) VCF-style: chr16-88494204-C-T.
Other names: NM_001127464.1:c.326C>T; short protein forms A109V.
Identifiers: ClinVar variation 3258311 (VCV003258311.2).